The following is an entry in ClinVar:

ClinVar aggregate classification (germline): Uncertain significance (1 of 4 stars; one submission).

Submission:

Mayo Clinic Laboratories, Mayo Clinic
Classification: Uncertain significance. Last evaluated: 2025-11-06. Review status: criteria provided, single submitter. Criteria: ACMG Guidelines, 2015. Collection method: clinical testing. Allele origin: germline. Observed: 1 variant allele.
Comment: PM2_supporting

NM_000133.4(F9):c.608A>G (p.Asn203Ser)

Gene: F9 (coagulation factor IX; plus strand). Cytogenetic location: Xq27.1.
Variant type: single nucleotide variant.
Coding change: c.608A>G on transcript NM_000133.4 (MANE Select); coding-DNA position 608, A replaced by G.
Protein change: p.Asn203Ser; replaces asparagine 203 with serine.
Molecular consequence: missense variant.
Genome position (GRCh38, 1-based): chrX:139,551,149, A>G. VCF-style: chrX-139551149-A-G. GRCh37 (hg19) VCF-style: chrX-138633308-A-G.
Other names: p.Asn203Ser; c.494A>G, p.Asn165Ser (NM_001313913.2); short protein forms N165S, N203S.
Identifiers: ClinVar variation 4542498 (VCV004542498.1).